The following is an entry in ClinVar:

ClinVar aggregate classification (germline): Uncertain significance (1 of 4 stars; one submission).

Conditions:
Familial thoracic aortic aneurysm and aortic dissection (TAAD). Also called: Thoracic aortic aneurysms and dissections. Identifiers: Orphanet 91387, MedGen C4707243, MONDO:0019625.

Submission:

Ambry Genetics
Classification: Uncertain significance for Familial thoracic aortic aneurysm and aortic dissection. Last evaluated: 2026-06-06. Review status: criteria provided, single submitter. Criteria: Ambry Variant Classification Scheme 2023. Collection method: clinical testing. Allele origin: germline.
Comment: The p.P1010L variant (also known as c.3029C>T), located in coding exon 39 of the COL5A1 gene, results from a C to T substitution at nucleotide position 3029. The proline at codon 1010 is replaced by leucine, an amino acid with similar properties. This amino acid position is conserved. In addition, the in silico prediction for this alteration is inconclusive. Based on the available evidence, the clinical significance of this variant remains unclear.

NM_000093.5(COL5A1):c.3029C>T (p.Pro1010Leu)

Gene: COL5A1 (collagen type V alpha 1 chain; plus strand). Cytogenetic location: 9q34.3.
Variant type: single nucleotide variant.
Coding change: c.3029C>T on transcript NM_000093.5 (MANE Select); coding-DNA position 3029, C replaced by T.
Protein change: p.Pro1010Leu; replaces proline 1010 with leucine.
Molecular consequence: missense variant.
Genome position (GRCh38, 1-based): chr9:134,802,910, C>T. VCF-style: chr9-134802910-C-T. GRCh37 (hg19) VCF-style: chr9-137694756-C-T.
Other names: c.3029C>T, p.Pro1010Leu (NM_001278074.1); short protein forms P1010L.
Identifiers: ClinVar variation 4869249 (VCV004869249.1).